The following is an entry in ClinVar:

ClinVar aggregate classification (germline): Uncertain significance. Review status: criteria provided, multiple submitters, no conflicts (2 of 4 stars). 4 submissions from 4 submitters: Uncertain significance (3). 1 of the submissions does not count toward it. Last evaluated 2024-11-19.

Conditions:
Hereditary insensitivity to pain with anhidrosis (CIPA). Also called: NTRK1 Congenital Insensitivity to Pain with Anhidrosis; INSENSITIVITY TO PAIN, CONGENITAL, WITH ANHIDROSIS; FAMILIAL DYSAUTONOMIA, TYPE II; hereditary sensory and autonomic neuropathy type 4; HSAN Type IV; NEUROPATHY, CONGENITAL SENSORY, WITH ANHIDROSIS. Identifiers: Orphanet 642, MedGen C0020074, MONDO:0009746, OMIM 256800.

Allele frequency attached by ClinVar (database versions not stated): gnomAD exomes 0.00001; gnomAD 0.00002; TOPMed 0.00002.
gnomAD v4.1: 20 of 1,613,838 alleles (0.0012%); highest among the groups gnomAD compares: East Asian, 0.0089%; no homozygotes.

Submissions (4):

GeneDx
Classification: Uncertain significance. Last evaluated: 2024-11-19. Review status: criteria provided, single submitter. Criteria: GeneDx Variant Classification Process June 2021. Collection method: clinical testing. Allele origin: germline. Affected: yes.
Comment: In silico analysis indicates that this missense variant does not alter protein structure/function; Has not been previously published as pathogenic or benign to our knowledge

Genome-Nilou Lab
Classification: Uncertain significance for Hereditary insensitivity to pain with anhidrosis. Last evaluated: 2023-04-11. Review status: criteria provided, single submitter. Criteria: ACMG Guidelines, 2015. Collection method: clinical testing. Allele origin: germline. Affected: no.

Labcorp Genetics (formerly Invitae), Labcorp
Classification: Uncertain significance for Hereditary insensitivity to pain with anhidrosis. Last evaluated: 2021-09-01. Review status: criteria provided, single submitter. Criteria: Invitae Variant Classification Sherloc (09022015). Collection method: clinical testing. Allele origin: germline.
Comment: This sequence change replaces valine with methionine at codon 624 of the NTRK1 protein (p.Val624Met). The valine residue is moderately conserved and there is a small physicochemical difference between valine and methionine. This variant is not present in population databases (ExAC no frequency). This variant has not been reported in the literature in individuals affected with NTRK1-related conditions. Algorithms developed to predict the effect of missense changes on protein structure and function are either unavailable or do not agree on the potential impact of this missense change (SIFT: "Deleterious"; PolyPhen-2: "Possibly Damaging"; Align-GVGD: "Class C0"). In summary, the available evidence is currently insufficient to determine the role of this variant in disease. Therefore, it has been classified as a Variant of Uncertain Significance.

Natera, Inc.
Classification: Uncertain significance for Hereditary insensitivity to pain with anhidrosis. Last evaluated: 2020-07-22. Review status: no assertion criteria provided. Collection method: clinical testing. Allele origin: germline. Not counted in ClinVar's aggregate classification.

NM_002529.4(NTRK1):c.1888G>A (p.Val630Met)

Gene: NTRK1 (neurotrophic receptor tyrosine kinase 1; plus strand). Cytogenetic location: 1q23.1.
Variant type: single nucleotide variant.
Coding change: c.1888G>A on transcript NM_002529.4 (MANE Select); coding-DNA position 1888, G replaced by A.
Protein change: p.Val630Met; replaces valine 630 with methionine.
Molecular consequence: missense variant.
Genome position (GRCh38, 1-based): chr1:156,879,204, G>A. VCF-style: chr1-156879204-G-A. GRCh37 (hg19) VCF-style: chr1-156848996-G-A.
Other names: c.1780G>A, p.Val594Met (NM_001007792.1); c.1870G>A, p.Val624Met (NM_001012331.2); short protein forms V594M, V624M, V630M.
Identifiers: ClinVar variation 1009592 (VCV001009592.12), dbSNP rs1405634315, ClinGen allele CA342939648.